The following is an entry in ClinVar:

ClinVar aggregate classification (germline): Likely benign. Review status: criteria provided, multiple submitters, no conflicts (2 of 4 stars). 2 submissions from 2 submitters: Likely benign (2). Last evaluated 2022-05-15.

Allele frequency attached by ClinVar (database versions not stated): TOPMed below 0.00001.

Submissions (2):

Ambry Genetics
Classification: Likely benign. Last evaluated: 2022-05-15. Review status: criteria provided, single submitter. Criteria: Ambry Variant Classification Scheme 2023. Collection method: clinical testing. Allele origin: germline.

CeGaT Center for Human Genetics Tuebingen
Classification: Likely benign. Last evaluated: 2022-05-01. Review status: criteria provided, single submitter. Criteria: CeGaT Center For Human Genetics Tuebingen Variant Classification Criteria Version 2. Collection method: clinical testing. Allele origin: germline. Affected: yes. Observed: 1 variant allele.
Comment: PRKDC: PM2:Supporting, BP4, BP7

NM_006904.7(PRKDC):c.8730C>T (p.Val2910=)

Genes: PRKDC (protein kinase, DNA-activated, catalytic subunit; minus strand), LOC121740717 (Sharpr-MPRA regulatory region 7649; plus strand). Cytogenetic location: 8q11.21.
Variant type: single nucleotide variant.
Coding change: c.8730C>T on transcript NM_006904.7 (MANE Select); coding-DNA position 8730, C replaced by T.
Protein change: p.Val2910=; no amino-acid change (valine 2910 retained).
Molecular consequence: synonymous variant.
Genome position (GRCh38, 1-based): chr8:47,826,709, G>A on the plus strand (C>T on the coding strand, the complement: PRKDC is on the minus strand). VCF-style: chr8-47826709-G-A. GRCh37 (hg19) VCF-style: chr8-48739270-G-A.
Other names: c.8730C>T, p.Val2910= (NM_001081640.2).
Identifiers: ClinVar variation 1764479 (VCV001764479.26), dbSNP rs931124354, ClinGen allele CA176151277.